The following is an entry in ClinVar:

NM_000038.6(APC):c.6091A>G (p.Ser2031Gly)

Gene: APC (APC regulator of Wnt signaling pathway; plus strand). Cytogenetic location: 5q22.2.
Variant type: single nucleotide variant.
Coding change: c.6091A>G on transcript NM_000038.6 (MANE Select); coding-DNA position 6091, A replaced by G.
Protein change: p.Ser2031Gly; replaces serine 2031 with glycine.
Molecular consequence: missense variant.
Genome position (GRCh38, 1-based): chr5:112,841,685, A>G. VCF-style: chr5-112841685-A-G. GRCh37 (hg19) VCF-style: chr5-112177382-A-G.
Other names: c.6091A>G, p.Ser2031Gly (NM_001127510.3, NM_001354895.2); c.6037A>G, p.Ser2013Gly (NM_001127511.3); c.6145A>G, p.Ser2049Gly (NM_001354896.2); c.6121A>G, p.Ser2041Gly (NM_001354897.2); c.6016A>G, p.Ser2006Gly (NM_001354898.2); c.6007A>G, p.Ser2003Gly (NM_001354899.2); c.5968A>G, p.Ser1990Gly (NM_001354900.2); c.5914A>G, p.Ser1972Gly (NM_001354901.2); and 5 more; short protein forms S2013G, S2031G, S2006G, S1748G, S1972G, S1871G, S1905G, S1930G.
Identifiers: ClinVar variation 490328 (VCV000490328.6), dbSNP rs1554087202, ClinGen allele CA16034662.

ClinVar aggregate classification (germline): Uncertain significance (1 of 4 stars; one submission).

Conditions:
Hereditary cancer-predisposing syndrome. Also called: Hereditary Cancer Syndrome; Neoplastic Syndromes, Hereditary; Tumor predisposition; Hereditary neoplastic syndrome. Identifiers: Orphanet 140162, MedGen C0027672, MeSH D009386, MONDO:0015356.

Submission:

Color Diagnostics, LLC DBA Color Health
Classification: Uncertain significance for Hereditary cancer-predisposing syndrome. Last evaluated: 2023-12-05. Review status: criteria provided, single submitter. Criteria: ACMG Guidelines, 2015. Collection method: clinical testing. Allele origin: germline.
Comment: This missense variant replaces serine with glycine at codon 2031 of the APC protein. Computational prediction is inconclusive regarding the impact of this variant on protein structure and function (internally defined REVEL score threshold 0.5 < inconclusive < 0.7, PMID: 27666373). To our knowledge, functional studies have not been reported for this variant. This variant has not been reported in individuals affected with APC-related disorders in the literature. This variant has not been identified in the general population by the Genome Aggregation Database (gnomAD). The available evidence is insufficient to determine the role of this variant in disease conclusively. Therefore, this variant is classified as a Variant of Uncertain Significance.